The following is an entry in ClinVar:

NM_001042681.2(RERE):c.2699_2717dup (p.Leu907fs)

Gene: RERE (arginine-glutamic acid dipeptide repeats; minus strand). Cytogenetic location: 1p36.23.
Variant type: Duplication.
Coding change: c.2699_2717dup on transcript NM_001042681.2 (MANE Select); coding-DNA positions 2699 to 2717, 19 bases duplicated (TGCCAGCCTCTCAGTCAGC).
Protein change: p.Leu907fs; shifts the reading frame from leucine 907.
Molecular consequence: frameshift variant.
Genome position (GRCh38, 1-based): chr1:8,360,790-8,360,808, GCTGACTGAGAGGCTGGCA duplicated on the plus strand (TGCCAGCCTCTCAGTCAGC on the coding strand, the reverse complement: RERE is on the minus strand); duplicating any 19 consecutive bases within chr1:8,360,790-8,360,812 gives the same sequence; the c. name uses the placement nearest the transcript's 3' end. VCF-style (leftmost placement, unchanged base first): chr1-8360789-C-CGCTGACTGAGAGGCTGGCA. GRCh37 (hg19) VCF-style: chr1-8420849-C-CGCTGACTGAGAGGCTGGCA.
Other names: c.1037_1055dup, p.Leu353fs (NM_001042682.2); c.2699_2717dup, p.Leu907fs (NM_012102.4); short protein forms L353fs, L907fs.
Identifiers: ClinVar variation 4075324 (VCV004075324.1).
Genomic context (GRCh38, chr1:8,360,789, plus strand): 5'-GGGCATGGCCAAGGGCGCTGGTGGCAGGGGCTGCTCCCGTGGAGGCTGTTGGGACTGCAG[C>CGCTGACTGAGAGGCTGGCA]GCTGACTGAGAGGCTGGCAGCTGCAGGGAGGTGTGAGGGTACGCTGCTGCTGGGGAGGTC-3'

ClinVar aggregate classification (germline): Uncertain significance (1 of 4 stars; one submission).

Conditions:
Neurodevelopmental disorder with or without anomalies of the brain, eye, or heart (NEDBEH). Identifiers: Orphanet 494344, MedGen C5567477, MONDO:0014857, OMIM 616975.

Submission:

Daryl Scott Lab, Baylor College of Medicine
Classification: Uncertain significance for Neurodevelopmental disorder with or without anomalies of the brain, eye, or heart. Last evaluated: 2025-08-05. Review status: criteria provided, single submitter. Criteria: ACMG Guidelines, 2015. Collection method: clinical testing. Allele origin: paternal. Affected: yes. Observed: 2 heterozygotes.
Comment: PVS1_supporting, PM2